The following is an entry in ClinVar:

NM_001127198.5(TMC6):c.791T>A (p.Leu264Gln)

Gene: TMC6 (transmembrane channel like 6; minus strand). Cytogenetic location: 17q25.3.
Variant type: single nucleotide variant.
Coding change: c.791T>A on transcript NM_001127198.5 (MANE Select); coding-DNA position 791, T replaced by A.
Protein change: p.Leu264Gln; replaces leucine 264 with glutamine.
Molecular consequence: missense variant. On other transcripts: non-coding transcript variant (4).
Genome position (GRCh38, 1-based): chr17:78,124,624, A>T on the plus strand (T>A on the coding strand, the complement: TMC6 is on the minus strand). VCF-style: chr17-78124624-A-T. GRCh37 (hg19) VCF-style: chr17-76120705-A-T.
Other names: c.791T>A, p.Leu264Gln (NM_001321185.1, NM_001374593.1, NM_001374594.1 and 4 more transcripts); short protein forms L264Q.
Identifiers: ClinVar variation 1521115 (VCV001521115.8), dbSNP rs2145347840, ClinGen allele CA401232623.

ClinVar aggregate classification (germline): Uncertain significance (1 of 4 stars; one submission).

Conditions:
Epidermodysplasia verruciformis. Identifiers: Orphanet 302, MedGen C0014522, MONDO:0009176.

Submission:

Labcorp Genetics (formerly Invitae), Labcorp
Classification: Uncertain significance for Epidermodysplasia verruciformis. Last evaluated: 2021-07-27. Review status: criteria provided, single submitter. Criteria: Invitae Variant Classification Sherloc (09022015). Collection method: clinical testing. Allele origin: germline.
Comment: This sequence change replaces leucine with glutamine at codon 264 of the TMC6 protein (p.Leu264Gln). The leucine residue is weakly conserved and there is a moderate physicochemical difference between leucine and glutamine. In summary, the available evidence is currently insufficient to determine the role of this variant in disease. Therefore, it has been classified as a Variant of Uncertain Significance. Algorithms developed to predict the effect of missense changes on protein structure and function are either unavailable or do not agree on the potential impact of this missense change (SIFT: "Not Available"; PolyPhen-2: "Possibly Damaging"; Align-GVGD: "Not Available"). This variant has not been reported in the literature in individuals affected with TMC6-related conditions. This variant is not present in population databases (ExAC no frequency).